The following is an entry in ClinVar:

ClinVar aggregate classification (germline): Pathogenic (1 of 4 stars; one submission).

Conditions:
Duchenne muscular dystrophy (DMD). Also called: MUSCULAR DYSTROPHY, PSEUDOHYPERTROPHIC PROGRESSIVE, DUCHENNE TYPE; Duchenne Muscular Dystrophy (DMD). Identifiers: Orphanet 98896, MedGen C0013264, MONDO:0010679, OMIM 310200.

Submission:

Labcorp Genetics (formerly Invitae), Labcorp
Classification: Pathogenic for Duchenne muscular dystrophy. Last evaluated: 2022-08-23. Review status: criteria provided, single submitter. Criteria: Invitae Variant Classification Sherloc (09022015). Collection method: clinical testing. Allele origin: germline.
Comment: For these reasons, this variant has been classified as Pathogenic. This variant disrupts a region of the DMD protein in which other variant(s) (Deletion, Exon 14) have been determined to be pathogenic (PMID: 19040728, 23453023). This suggests that this is a clinically significant region of the protein, and that variants that disrupt it are likely to be disease-causing. A similar copy number variant has been observed in individual(s) with clinical features of DMD-related conditions (PMID: 21515508). This variant is a gross deletion of the genomic region encompassing exon(s) 14-41 of the DMD gene. This variant would be expected to be in-frame, preserving the integrity of the reading frame.

Literature cited by the submitters: PubMed 19040728; PubMed 23453023; PubMed 21515508.

NC_000023.10:g.(?_32360197)_(32591983_?)del

Gene: DMD (dystrophin; minus strand). Cytogenetic location: Xp21.1.
Variant type: Deletion.
Identifiers: ClinVar variation 1372460 (VCV001372460.6).